The following is an entry in ClinVar:

ClinVar aggregate classification (germline): Uncertain significance (1 of 4 stars; one submission).

Allele frequency attached by ClinVar (database versions not stated): gnomAD exomes below 0.00001.

Submission:

Labcorp Genetics (formerly Invitae), Labcorp
Classification: Uncertain significance. Last evaluated: 2022-08-15. Review status: criteria provided, single submitter. Criteria: Invitae Variant Classification Sherloc (09022015). Collection method: clinical testing. Allele origin: germline.
Comment: This sequence change replaces tyrosine, which is neutral and polar, with histidine, which is basic and polar, at codon 447 of the ADGRA3 protein (p.Tyr447His). This variant is not present in population databases (gnomAD no frequency). This variant has not been reported in the literature in individuals affected with ADGRA3-related conditions. Algorithms developed to predict the effect of missense changes on protein structure and function are either unavailable or do not agree on the potential impact of this missense change (SIFT: "Deleterious"; PolyPhen-2: "Probably Damaging"; Align-GVGD: "Class C0"). In summary, the available evidence is currently insufficient to determine the role of this variant in disease. Therefore, it has been classified as a Variant of Uncertain Significance.

NM_145290.4(ADGRA3):c.1339T>C (p.Tyr447His)

Gene: ADGRA3 (adhesion G protein-coupled receptor A3; minus strand). Cytogenetic location: 4p15.2.
Variant type: single nucleotide variant.
Coding change: c.1339T>C on transcript NM_145290.4 (MANE Select); coding-DNA position 1339, T replaced by C.
Protein change: p.Tyr447His; replaces tyrosine 447 with histidine.
Molecular consequence: missense variant.
Genome position (GRCh38, 1-based): chr4:22,435,415, A>G on the plus strand (T>C on the coding strand, the complement: ADGRA3 is on the minus strand). VCF-style: chr4-22435415-A-G. GRCh37 (hg19) VCF-style: chr4-22437038-A-G.
Other names: short protein forms Y447H.
Identifiers: ClinVar variation 1958141 (VCV001958141.5), dbSNP rs2474779117, ClinGen allele CA356481905.